The following is an entry in ClinVar:

ClinVar aggregate classification (germline): Likely benign. Review status: criteria provided, multiple submitters, no conflicts (2 of 4 stars). 3 submissions from 3 submitters: Likely benign (2). 1 of the submissions does not count toward it. Last evaluated 2024-07-31.

Conditions:
CUBN-related disorder. Also called: CUBN-related condition.
Imerslund-Grasbeck syndrome. Also called: Megaloblastic anemia due to inborn errors of metabolism; ENTEROCYTE COBALAMIN MALABSORPTION; ENTEROCYTE INTRINSIC FACTOR RECEPTOR, DEFECT OF; Imerslund-Gräsbeck syndrome; PERNICIOUS ANEMIA, JUVENILE, DUE TO SELECTIVE INTESTINAL MALABSORPTION OF VITAMIN B12, WITH PROTEINURIA. Identifiers: Orphanet 35858, MedGen C4551825, MONDO:0009853.

gnomAD v4.1: 51 of 1,613,974 alleles (0.0032%); highest among the groups gnomAD compares: African/African-American, 0.019%; no homozygotes.

Submissions (3):

Labcorp Genetics (formerly Invitae), Labcorp
Classification: Likely benign for Imerslund-Grasbeck syndrome. Last evaluated: 2024-07-31. Review status: criteria provided, single submitter. Criteria: Invitae Variant Classification Sherloc (09022015). Collection method: clinical testing. Allele origin: germline.

Blueprint Genetics
Classification: Likely benign. Last evaluated: 2023-08-22. Review status: criteria provided, single submitter. Criteria: ACMG Guidelines, 2015. Collection method: clinical testing. Allele origin: germline.

PreventionGenetics, part of Exact Sciences
Classification: Likely benign for CUBN-related condition. Last evaluated: 2019-06-28. Review status: no assertion criteria provided. Collection method: clinical testing. Allele origin: germline. Not counted in ClinVar's aggregate classification.
Comment: This variant is classified as likely benign based on ACMG/AMP sequence variant interpretation guidelines (Richards et al. 2015 PMID: 25741868, with internal and published modifications).

NM_001081.4(CUBN):c.5517C>T (p.Ser1839=)

Gene: CUBN (cubilin; minus strand). Cytogenetic location: 10p13.
Variant type: single nucleotide variant.
Coding change: c.5517C>T on transcript NM_001081.4 (MANE Select); coding-DNA position 5517, C replaced by T.
Protein change: p.Ser1839=; no amino-acid change (serine 1839 retained).
Molecular consequence: synonymous variant.
Genome position (GRCh38, 1-based): chr10:16,940,063, G>A on the plus strand (C>T on the coding strand, the complement: CUBN is on the minus strand). VCF-style: chr10-16940063-G-A. GRCh37 (hg19) VCF-style: chr10-16982062-G-A.
Identifiers: ClinVar variation 3352478 (VCV003352478.4).
Genomic context (GRCh38, chr10:16,940,063, plus strand): 5'-AAGCTATCACTAAAATAGAAACAACTTACTCTTCATAAATGTGGCCTGGAAGCCCGTGCC[G>A]CTGCCAGAACCATCTGAGATAAATCTGACCCACAGGGTATGTCCAACGATGGAAGAATAA-3'
Protein context (NP_001072.2, residues 1829-1849): WVRFISDGSG[Ser1839=]GTGFQATFMK